The following is an entry in ClinVar:

ClinVar aggregate classification (germline): Uncertain significance. Review status: criteria provided, multiple submitters, no conflicts (2 of 4 stars). 2 submissions from 2 submitters: Uncertain significance (2). Last evaluated 2025-12-29.

Conditions:
Hereditary cancer-predisposing syndrome. Also called: Tumor predisposition; Neoplastic Syndromes, Hereditary; Hereditary Cancer Syndrome; Hereditary neoplastic syndrome. Identifiers: Orphanet 140162, MedGen C0027672, MeSH D009386, MONDO:0015356.
Familial cancer of breast. Also called: BREAST CANCER, FAMILIAL; Hereditary breast cancer; hereditary breast carcinoma. Identifiers: Orphanet 227535, MedGen C0346153, MONDO:0016419, OMIM 114480. Disease mechanism: loss of function.

Submissions (2):

Ambry Genetics
Classification: Uncertain significance for Hereditary cancer-predisposing syndrome. Last evaluated: 2025-12-29. Review status: criteria provided, single submitter. Criteria: Ambry Variant Classification Scheme 2023. Collection method: clinical testing. Allele origin: germline.

Labcorp Genetics (formerly Invitae), Labcorp
Classification: Uncertain significance for Familial cancer of breast. Last evaluated: 2023-11-02. Review status: criteria provided, single submitter. Criteria: Invitae Variant Classification Sherloc (09022015). Collection method: clinical testing. Allele origin: germline.
Comment: This sequence change replaces serine, which is neutral and polar, with cysteine, which is neutral and slightly polar, at codon 330 of the BARD1 protein (p.Ser330Cys). This variant is not present in population databases (gnomAD no frequency). This variant has not been reported in the literature in individuals affected with BARD1-related conditions. Algorithms developed to predict the effect of missense changes on protein structure and function output the following: SIFT: "Not Available"; PolyPhen-2: "Possibly Damaging"; Align-GVGD: "Not Available". The cysteine amino acid residue is found in multiple mammalian species, which suggests that this missense change does not adversely affect protein function. In summary, the available evidence is currently insufficient to determine the role of this variant in disease. Therefore, it has been classified as a Variant of Uncertain Significance.

NM_000465.4(BARD1):c.988A>T (p.Ser330Cys)

Gene: BARD1 (BRCA1 associated RING domain 1; minus strand). Cytogenetic location: 2q35.
Variant type: single nucleotide variant.
Coding change: c.988A>T on transcript NM_000465.4 (MANE Select); coding-DNA position 988, A replaced by T.
Protein change: p.Ser330Cys; replaces serine 330 with cysteine.
Molecular consequence: missense variant. On other transcripts: non-coding transcript variant (2), intron variant (3).
Genome position (GRCh38, 1-based): chr2:214,780,886, T>A on the plus strand (A>T on the coding strand, the complement: BARD1 is on the minus strand). VCF-style: chr2-214780886-T-A. GRCh37 (hg19) VCF-style: chr2-215645610-T-A.
Other names: c.931A>T, p.Ser311Cys (NM_001282543.2); c.159-28331A>T (NM_001282548.2); c.215+16175A>T (NM_001282545.2); c.364+11411A>T (NM_001282549.2); c.988A>T (NM_000465.2); short protein forms S311C, S330C.
Identifiers: ClinVar variation 2881891 (VCV002881891.4), dbSNP rs2469505615, ClinGen allele CA350454501.